The following is an entry in ClinVar:

ClinVar aggregate classification (germline): Pathogenic (1 of 4 stars; one submission).

Submission:

Labcorp Genetics (formerly Invitae), Labcorp
Classification: Pathogenic. Last evaluated: 2023-03-17. Review status: criteria provided, single submitter. Criteria: Invitae Variant Classification Sherloc (09022015). Collection method: clinical testing. Allele origin: germline.
Comment: This sequence change creates a premature translational stop signal (p.Glu734Glyfs*65) in the TPO gene. It is expected to result in an absent or disrupted protein product. Loss-of-function variants in TPO are known to be pathogenic (PMID: 11061528, 23236987, 25564141). This variant is not present in population databases (gnomAD no frequency). This variant has not been reported in the literature in individuals affected with TPO-related conditions. For these reasons, this variant has been classified as Pathogenic.

Literature cited by the submitters: PubMed 11061528; PubMed 23236987; PubMed 25564141.

NM_001206744.2(TPO):c.2199_2200dup (p.Glu734fs)

Genes: LALTOP (lung cancer associated lncRNA targeting TOP2A; minus strand), TPO (thyroid peroxidase; plus strand). Cytogenetic location: 2p25.3.
Variant type: Duplication.
Coding change: c.2199_2200dup on transcript NM_001206744.2 (MANE Select); coding-DNA positions 2199 to 2200, 2 bases duplicated (GG; older notation c.2199_2200dupGG).
Protein change: p.Glu734fs; shifts the reading frame from glutamic acid 734.
Molecular consequence: frameshift variant.
Genome position (GRCh38, 1-based): chr2:1,496,181-1,496,182, GG duplicated; duplicating any 2 consecutive bases within chr2:1,496,180-1,496,182 gives the same sequence; the c. name uses the placement nearest the transcript's 3' end. VCF-style (leftmost placement, unchanged base first): chr2-1496179-A-AGG. GRCh37 (hg19) VCF-style: chr2-1499951-A-AGG.
Other names: c.2199_2200dup, p.Glu734fs (NM_000547.6, NM_175721.3); c.2028_2029dup, p.Glu677fs (NM_001206745.2, NM_175719.4); c.1680_1681dup, p.Glu561fs (NM_175722.3); short protein forms E677fs, E734fs, E561fs.
Identifiers: ClinVar variation 2980519 (VCV002980519.3), dbSNP rs1222674096, ClinGen allele CA758649523.